The following is an entry in ClinVar:

NM_020699.4(GATAD2B):c.852T>G (p.Leu284=)

Gene: GATAD2B (GATA zinc finger domain containing 2B; minus strand). Cytogenetic location: 1q21.3.
Variant type: single nucleotide variant.
Coding change: c.852T>G on transcript NM_020699.4 (MANE Select); coding-DNA position 852, T replaced by G.
Protein change: p.Leu284=; no amino-acid change (leucine 284 retained).
Molecular consequence: synonymous variant.
Genome position (GRCh38, 1-based): chr1:153,817,420, A>C on the plus strand (T>G on the coding strand, the complement: GATAD2B is on the minus strand). VCF-style: chr1-153817420-A-C. GRCh37 (hg19) VCF-style: chr1-153789896-A-C.
Identifiers: ClinVar variation 3050663 (VCV003050663.5), dbSNP rs149608942, ClinGen allele CA420833424.
Genomic context (GRCh38, chr1:153,817,420, plus strand): 5'-GCTCTCTCTTACCGGTTGATAATTGATGGCGGGATTCATGTTGGGTGTTGTGGTGCGTAC[A>C]AGGCCAGGCTTAGGCGGGCCCCGCTGACCCTGTAGCTGGGCTGGGTTTGGTGCAATAACA-3'
Protein context (NP_065750.1, residues 274-294): QGQRGPPKPG[Leu284=]VRTTTPNMNP

ClinVar aggregate classification (germline): Conflicting classifications of pathogenicity. Review status: criteria provided, conflicting classifications (1 of 4 stars). 3 submissions from 3 submitters: Uncertain significance (1); Likely benign (1). 1 of the submissions does not count toward it. Last evaluated 2025-11-13.

Conditions:
Severe intellectual disability-poor language-strabismus-grimacing face-long fingers syndrome (GAND). Also called: GAND SYNDROME. Identifiers: Orphanet 363686, MedGen C3554448, MONDO:0014034, OMIM 615074.
GATAD2B-related disorder. Also called: GATAD2B-related condition.

Submissions (3):

Labcorp Genetics (formerly Invitae), Labcorp
Classification: Likely benign. Last evaluated: 2025-11-13. Review status: criteria provided, single submitter. Criteria: Invitae Variant Classification Sherloc (09022015). Collection method: clinical testing. Allele origin: germline.

Fulgent Genetics
Classification: Uncertain significance for Severe intellectual disability-poor language-strabismus-grimacing face-long fingers syndrome. Last evaluated: 2023-12-22. Review status: criteria provided, single submitter. Criteria: ACMG Guidelines, 2015. Collection method: clinical testing. Allele origin: germline.

PreventionGenetics, part of Exact Sciences
Classification: Likely benign for GATAD2B-related condition. Last evaluated: 2023-08-10. Review status: no assertion criteria provided. Collection method: clinical testing. Allele origin: germline. Not counted in ClinVar's aggregate classification.
Comment: This variant is classified as likely benign based on ACMG/AMP sequence variant interpretation guidelines (Richards et al. 2015 PMID: 25741868, with internal and published modifications).